The following is an entry in ClinVar:

ClinVar aggregate classification (germline): Likely benign (1 of 4 stars; one submission).

gnomAD v4.1: 93 of 1,614,112 alleles (0.0058%); highest among the groups gnomAD compares: Admixed American, 0.04%; no homozygotes.

Submission:

CeGaT Center for Human Genetics Tuebingen
Classification: Likely benign. Last evaluated: 2026-10-01. Review status: criteria provided, single submitter. Criteria: CeGaT Center For Human Genetics Tuebingen Variant Classification Criteria Version 2. Collection method: clinical testing. Allele origin: germline. Affected: yes. Observed: 1 variant allele.
Comment: GJA8: BS2

NM_005267.5(GJA8):c.697C>T (p.Arg233Trp)

Gene: GJA8 (gap junction protein alpha 8; plus strand). Cytogenetic location: 1q21.2.
Variant type: single nucleotide variant.
Coding change: c.697C>T on transcript NM_005267.5 (MANE Select); coding-DNA position 697, C replaced by T.
Protein change: p.Arg233Trp; replaces arginine 233 with tryptophan.
Molecular consequence: missense variant.
Genome position (GRCh38, 1-based): chr1:147,908,652, C>T. VCF-style: chr1-147908652-C-T. GRCh37 (hg19) VCF-style: chr1-147380779-C-T.
Other names: short protein forms R233W.
Identifiers: ClinVar variation 5040990 (VCV005040990.1).